The following is an entry in ClinVar:

ClinVar aggregate classification (germline): Likely pathogenic (1 of 4 stars; one submission).

Conditions:
Infantile neuroaxonal dystrophy (NBIA2A). Also called: NEURODEGENERATION WITH BRAIN IRON ACCUMULATION 2A; SEITELBERGER DISEASE; Infantile neuroaxonal dystrophy 1. Identifiers: Orphanet 35069, MedGen C0270724, MONDO:0024457, OMIM 256600.

Allele frequency attached by ClinVar (database versions not stated): gnomAD exomes below 0.00001 and 0.00003; ExAC 0.00006.
gnomAD v4.1: 10 of 1,609,724 alleles (0.00062%); highest among the groups gnomAD compares: Non-Finnish European, 0.00017%; no homozygotes.

Submission:

Labcorp Genetics (formerly Invitae), Labcorp
Classification: Likely pathogenic for Infantile neuroaxonal dystrophy. Last evaluated: 2023-04-21. Review status: criteria provided, single submitter. Criteria: Invitae Variant Classification Sherloc (09022015). Collection method: clinical testing. Allele origin: germline.
Comment: In summary, the currently available evidence indicates that the variant is pathogenic, but additional data are needed to prove that conclusively. Therefore, this variant has been classified as Likely Pathogenic. Algorithms developed to predict the effect of sequence changes on RNA splicing suggest that this variant may disrupt the consensus splice site. ClinVar contains an entry for this variant (Variation ID: 1497317). This variant has not been reported in the literature in individuals affected with PLA2G6-related conditions. This variant is present in population databases (rs760904035, gnomAD 0.005%). This sequence change affects a donor splice site in intron 2 of the PLA2G6 gene. It is expected to disrupt RNA splicing. Variants that disrupt the donor or acceptor splice site typically lead to a loss of protein function (PMID: 16199547), and loss-of-function variants in PLA2G6 are known to be pathogenic (PMID: 16783378, 18570303, 18799783, 22213678).

Literature cited by the submitters: PubMed 16199547; PubMed 16783378; PubMed 18570303; PubMed 18799783; PubMed 22213678.

NM_003560.4(PLA2G6):c.209+2T>G

Gene: PLA2G6 (phospholipase A2 group VI; minus strand). Cytogenetic location: 22q13.1.
Variant type: single nucleotide variant.
Coding change: c.209+2T>G on transcript NM_003560.4 (MANE Select); the canonical splice donor site of the intron after coding-DNA position 209, T replaced by G.
Molecular consequence: splice donor variant.
Genome position (GRCh38, 1-based): chr22:38,169,216, A>C on the plus strand (T>G on the coding strand, the complement: PLA2G6 is on the minus strand). VCF-style: chr22-38169216-A-C. GRCh37 (hg19) VCF-style: chr22-38565223-A-C.
Other names: c.-282+2T>G (NM_001349868.2); c.209+2T>G (NM_001349866.2, NM_001199562.3, NM_001349865.2 and 2 more transcripts); c.-457+2T>G (NM_001349869.2, NM_001349867.2).
Identifiers: ClinVar variation 1497317 (VCV001497317.8), dbSNP rs760904035, ClinGen allele CA10231349.